The following is an entry in ClinVar:

ClinVar aggregate classification (germline): Likely benign (1 of 4 stars; one submission).

Allele frequency attached by ClinVar (database versions not stated): gnomAD 0.00001; TOPMed 0.00001; ExAC 0.00002; 1000 Genomes Project 0.00020; 1000 Genomes Project 30x 0.00031.
gnomAD v4.1: 12 of 1,614,214 alleles (0.00074%); highest among the groups gnomAD compares: Admixed American, 0.005%; no homozygotes.

Submission:

CeGaT Center for Human Genetics Tuebingen
Classification: Likely benign. Last evaluated: 2026-09-01. Review status: criteria provided, single submitter. Criteria: CeGaT Center For Human Genetics Tuebingen Variant Classification Criteria Version 2. Collection method: clinical testing. Allele origin: germline. Affected: yes. Observed: 3 variant alleles.
Comment: CHAMP1: BP4

NM_032436.4(CHAMP1):c.632C>T (p.Ala211Val)

Gene: CHAMP1 (chromosome alignment maintaining phosphoprotein 1; plus strand). Cytogenetic location: 13q34.
Variant type: single nucleotide variant.
Coding change: c.632C>T on transcript NM_032436.4 (MANE Select); coding-DNA position 632, C replaced by T.
Protein change: p.Ala211Val; replaces alanine 211 with valine.
Molecular consequence: missense variant.
Genome position (GRCh38, 1-based): chr13:114,324,474, C>T. VCF-style: chr13-114324474-C-T. GRCh37 (hg19) VCF-style: chr13-115089949-C-T.
Other names: c.632C>T, p.Ala211Val (NM_001164145.3, NM_001164144.3); short protein forms A211V.
Identifiers: ClinVar variation 2644019 (VCV002644019.24), dbSNP rs568507339, ClinGen allele CA7070655.
Genomic context (GRCh38, chr13:114,324,474, plus strand): 5'-TCCCTGTTTGTGAGTCTCAGAAACTTGCCCCTGTTCCTTCTCCAGAACCACAGAAACCTG[C>T]CCCTGTATCTCCTGAGTCAGTAAAGGCTACTCTTAGTAATCCCAAACCCCAGAAGCAGTC-3'
Protein context (NP_115812.1, residues 201-221): PVPSPEPQKP[Ala211Val]PVSPESVKAT